The following is an entry in ClinVar:

NM_020944.3(GBA2):c.1947+4A>T

Gene: GBA2 (glucosylceramidase beta 2; minus strand). Cytogenetic location: 9p13.3.
Variant type: single nucleotide variant.
Coding change: c.1947+4A>T on transcript NM_020944.3 (MANE Select); 4 bases into the intron after coding-DNA position 1947, A replaced by T.
Molecular consequence: intron variant.
Genome position (GRCh38, 1-based): chr9:35,738,748, T>A on the plus strand (A>T on the coding strand, the complement: GBA2 is on the minus strand). VCF-style: chr9-35738748-T-A. GRCh37 (hg19) VCF-style: chr9-35738745-T-A.
Other names: c.1947+4A>T (NM_001330660.2).
Identifiers: ClinVar variation 528005 (VCV000528005.6), dbSNP rs781668874, ClinGen allele CA5050251.
Genomic context (GRCh38, chr9:35,738,748, plus strand): 5'-CTAGGCTCTTCCCAGACACCAACCATACCCCTGGCACACTGGCCACTGCATGTGCATCCC[T>A]TACTAGACACACAGGCCACATGTCCTTCAGGAAGTTTTGATCACCCGTGAGGTAATAGTC-3'

ClinVar aggregate classification (germline): Uncertain significance (1 of 4 stars; one submission).

Conditions:
Spastic paraplegia. Identifiers: MedGen C0037772, HP:0001258.

Allele frequency attached by ClinVar (database versions not stated): gnomAD exomes below 0.00001; ExAC 0.00001.

Submission:

Labcorp Genetics (formerly Invitae), Labcorp
Classification: Uncertain significance for Spastic paraplegia. Last evaluated: 2017-10-25. Review status: criteria provided, single submitter. Criteria: Invitae Variant Classification Sherloc (09022015). Collection method: clinical testing. Allele origin: germline.
Comment: In summary, the available evidence is currently insufficient to determine the role of this variant in disease. Therefore, it has been classified as a Variant of Uncertain Significance. Nucleotide substitutions within the consensus splice site are a relatively common cause of aberrant splicing (PMID: 17576681, 9536098). Algorithms developed to predict the effect of sequence changes on RNA splicing suggest that this variant may disrupt the consensus splice site, but this prediction has not been confirmed by published transcriptional studies. This variant has not been reported in the literature in individuals with GBA2-related disease. This variant is present in population databases (rs781668874, ExAC 0.009%). This sequence change falls in intron 12 of the GBA2 gene. It does not directly change the encoded amino acid sequence of the GBA2 protein, but it affects a nucleotide within the consensus splice site of the intron.

Literature cited by the submitters: PubMed 17576681; PubMed 9536098.